The following is an entry in ClinVar:

ClinVar aggregate classification (germline): Uncertain significance. Review status: criteria provided, multiple submitters, no conflicts (2 of 4 stars). 2 submissions from 2 submitters: Uncertain significance (2). Last evaluated 2021-04-17.

Conditions:
Distal hereditary motor neuropathy type 2. Identifiers: Orphanet 139525, MedGen C3711384, MeSH C580044, MONDO:0015352.

Allele frequency attached by ClinVar (database versions not stated): ExAC 0.00001; gnomAD 0.00001; gnomAD exomes 0.00002; TOPMed 0.00002.
gnomAD v4.1: 11 of 1,613,512 alleles (0.00068%); highest among the groups gnomAD compares: Non-Finnish European, 0.00093%; no homozygotes.

Submissions (2):

Labcorp Genetics (formerly Invitae), Labcorp
Classification: Uncertain significance for Distal hereditary motor neuropathy type 2. Last evaluated: 2021-04-17. Review status: criteria provided, single submitter. Criteria: Invitae Variant Classification Sherloc (09022015). Collection method: clinical testing. Allele origin: germline.
Comment: This sequence change replaces asparagine with lysine at codon 305 of the FBXO38 protein (p.Asn305Lys). The asparagine residue is moderately conserved and there is a moderate physicochemical difference between asparagine and lysine. In summary, the available evidence is currently insufficient to determine the role of this variant in disease. Therefore, it has been classified as a Variant of Uncertain Significance. Algorithms developed to predict the effect of missense changes on protein structure and function are either unavailable or do not agree on the potential impact of this missense change (SIFT: "Deleterious"; PolyPhen-2: "Probably Damaging"; Align-GVGD: "Class C0"). This variant has not been reported in the literature in individuals with FBXO38-related disease. This variant is present in population databases (rs767430187, ExAC no frequency).

Ambry Genetics
Classification: Uncertain significance. Last evaluated: 2019-09-24. Review status: criteria provided, single submitter. Criteria: Ambry Variant Classification Scheme 2023. Collection method: clinical testing. Allele origin: germline.
Comment: The p.N305K variant (also known as c.915T>G), located in coding exon 7 of the FBXO38 gene, results from a T to G substitution at nucleotide position 915. The asparagine at codon 305 is replaced by lysine, an amino acid with similar properties. This amino acid position is well conserved in available vertebrate species. In addition, this alteration is predicted to be tolerated by in silico analysis. Since supporting evidence is limited at this time, the clinical significance of this alteration remains unclear.

NM_205836.3(FBXO38):c.915T>G (p.Asn305Lys)

Gene: FBXO38 (F-box protein 38; plus strand). Cytogenetic location: 5q32.
Variant type: single nucleotide variant.
Coding change: c.915T>G on transcript NM_205836.3 (MANE Select); coding-DNA position 915, T replaced by G.
Protein change: p.Asn305Lys; replaces asparagine 305 with lysine.
Molecular consequence: missense variant.
Genome position (GRCh38, 1-based): chr5:148,409,170, T>G. VCF-style: chr5-148409170-T-G. GRCh37 (hg19) VCF-style: chr5-147788733-T-G.
Other names: c.915T>G, p.Asn305Lys (NM_001271723.2, NM_030793.5); short protein forms N305K.
Identifiers: ClinVar variation 643331 (VCV000643331.12), dbSNP rs767430187, ClinGen allele CA3497148.